The following is an entry in ClinVar:

ClinVar aggregate classification (germline): Benign/Likely benign. Review status: criteria provided, multiple submitters, no conflicts (2 of 4 stars). 13 submissions from 12 submitters: Benign (10); Likely benign (3). Last evaluated 2026-01-29.

Conditions:
Cardiovascular phenotype. Identifiers: MedGen CN230736.
Osteogenesis imperfecta type I (OI1). Also called: Osteogenesis imperfecta type 1; OI, TYPE I; OSTEOGENESIS IMPERFECTA TARDA; OSTEOGENESIS IMPERFECTA WITH BLUE SCLERAE; Lobstein disease; Lobstein's Disease. Identifiers: Orphanet 216796, Orphanet 666, MedGen C0023931, MONDO:0008146, OMIM 166200. Disease mechanism: loss of function.
Ehlers-Danlos syndrome, classic type, 1 (EDSCL1). Also called: EHLERS-DANLOS SYNDROME, GRAVIS TYPE; EHLERS-DANLOS SYNDROME, SEVERE CLASSIC TYPE; Ehlers-Danlos Syndrome, Classic Type, COL5A1-Related; EDS I; Ehlers-Danlos syndrome, type 1. Identifiers: MedGen C0268335, MONDO:0019567, OMIM 130000.
Osteogenesis imperfecta (OI). Identifiers: Orphanet 666, MedGen C0029434, MeSH D010013, MONDO:0019019.
Ehlers-Danlos syndrome, arthrochalasia type, 2. Also called: EHLERS-DANLOS SYNDROME, TYPE VIIB, AUTOSOMAL DOMINANT. Identifiers: MedGen CN293783, MONDO:0040501, OMIM 617821.

Allele frequency attached by ClinVar (database versions not stated): gnomAD exomes 0.00089; ExAC 0.00112; gnomAD 0.00337 and 0.00352; TOPMed 0.00368; 1000 Genomes Project 30x 0.00390; 1000 Genomes Project 0.00399; ESP Exome Variant Server 0.00423.

Submissions (13):

Labcorp Genetics (formerly Invitae), Labcorp
Classification: Benign for Osteogenesis imperfecta type I; Ehlers-Danlos syndrome, classic type, 1. Last evaluated: 2026-01-29. Review status: criteria provided, single submitter. Criteria: Invitae Variant Classification Sherloc (09022015). Collection method: clinical testing. Allele origin: germline.

ARUP Laboratories, Molecular Genetics and Genomics, ARUP Laboratories
Classification: Benign. Last evaluated: 2025-07-24. Review status: criteria provided, single submitter. Criteria: ARUP Molecular Germline Variant Investigation Process 2024. Collection method: clinical testing. Allele origin: germline.

Women's Health and Genetics/Laboratory Corporation of America, LabCorp
Classification: Benign. Last evaluated: 2024-12-06. Review status: criteria provided, single submitter. Criteria: LabCorp Variant Classification Summary - May 2015. Collection method: clinical testing. Allele origin: germline.

Blueprint Genetics
Classification: Likely benign. Last evaluated: 2024-11-07. Review status: criteria provided, single submitter. Criteria: ACMG Guidelines, 2015. Collection method: clinical testing. Allele origin: germline.

Athena Diagnostics
Classification: Benign. Last evaluated: 2024-02-06. Review status: criteria provided, single submitter. Criteria: Athena Diagnostics Criteria. Collection method: clinical testing. Allele origin: unknown.

Mayo Clinic Laboratories, Mayo Clinic
Classification: Benign. Last evaluated: 2023-05-24. Review status: criteria provided, single submitter. Criteria: ACMG Guidelines, 2015. Collection method: clinical testing. Allele origin: germline. Observed: 4 variant alleles.
Comment: BS1, BS2, BP4, BP7

CeGaT Center for Human Genetics Tuebingen
Classification: Benign. Last evaluated: 2023-05-01. Review status: criteria provided, single submitter. Criteria: CeGaT Center For Human Genetics Tuebingen Variant Classification Criteria Version 2. Collection method: clinical testing. Allele origin: germline. Affected: yes. Observed: 1 variant allele.
Comment: COL1A2: BP4, BP7, BS1, BS2

Genome Diagnostics Laboratory, The Hospital for Sick Children
Classification: Likely benign for Osteogenesis imperfecta. Last evaluated: 2019-12-01. Review status: criteria provided, single submitter. Criteria: ACMG Guidelines, 2015. Collection method: clinical testing. Allele origin: germline.

Ambry Genetics
Classification: Likely benign for Cardiovascular phenotype. Last evaluated: 2019-07-19. Review status: criteria provided, single submitter. Criteria: Ambry Variant Classification Scheme 2023. Collection method: clinical testing. Allele origin: germline.

GeneDx
Classification: Benign. Last evaluated: 2018-02-12. Review status: criteria provided, single submitter. Criteria: GeneDx Variant Classification (06012015). Collection method: clinical testing. Allele origin: germline. Affected: yes.
Comment: This variant is considered likely benign or benign based on one or more of the following criteria: it is a conservative change, it occurs at a poorly conserved position in the protein, it is predicted to be benign by multiple in silico algorithms, and/or has population frequency not consistent with disease.

Illumina Laboratory Services, Illumina
Classification: Benign for Osteogenesis imperfecta. Last evaluated: 2018-01-13. Review status: criteria provided, single submitter. Criteria: ICSL Variant Classification Criteria 13 December 2019. Collection method: clinical testing. Allele origin: germline.
Comment: This variant was observed in the ICSL laboratory as part of a predisposition screen in an ostensibly healthy population. It had not been previously curated by ICSL or reported in the Human Gene Mutation Database (HGMD: prior to June 1st, 2018), and was therefore a candidate for classification through an automated scoring system. Utilizing variant allele frequency, disease prevalence and penetrance estimates, and inheritance mode, an automated score was calculated to assess if this variant is too frequent to cause the disease. Based on the score and internal cut-off values, a variant classified as benign is not then subjected to further curation. The score for this variant resulted in a classification of benign for this disease.

Illumina Laboratory Services, Illumina
Classification: Benign for Ehlers-Danlos syndrome, arthrochalasia type, 2. Last evaluated: 2018-01-13. Review status: criteria provided, single submitter. Criteria: ICSL Variant Classification Criteria 13 December 2019. Collection method: clinical testing. Allele origin: germline.
Comment: the same text as in the submission from Illumina Laboratory Services, Illumina above.

Breakthrough Genomics
Classification: Benign. Review status: criteria provided, single submitter. Criteria: ACMG Guidelines, 2015. Collection method: not provided. Allele origin: germline. Inheritance: Autosomal recessive inheritance. Affected: yes.

NM_000089.4(COL1A2):c.3849T>C (p.Thr1283=)

Gene: COL1A2 (collagen type I alpha 2 chain; plus strand). Cytogenetic location: 7q21.3.
Variant type: single nucleotide variant.
Coding change: c.3849T>C on transcript NM_000089.4 (MANE Select); coding-DNA position 3849, T replaced by C.
Protein change: p.Thr1283=; no amino-acid change (threonine 1283 retained).
Molecular consequence: synonymous variant.
Genome position (GRCh38, 1-based): chr7:94,429,325, T>C. VCF-style: chr7-94429325-T-C. GRCh37 (hg19) VCF-style: chr7-94058637-T-C.
Other names: p.Thr1283=.
Identifiers: ClinVar variation 360974 (VCV000360974.56), dbSNP rs34038163, ClinGen allele CA4347866.